The following is an entry in ClinVar:

NM_001273.5(CHD4):c.2274T>C (p.Thr758=)

Gene: CHD4 (chromodomain helicase DNA binding protein 4; minus strand). Cytogenetic location: 12p13.31.
Variant type: single nucleotide variant.
Coding change: c.2274T>C on transcript NM_001273.5 (MANE Select); coding-DNA position 2274, T replaced by C.
Protein change: p.Thr758=; no amino-acid change (threonine 758 retained).
Molecular consequence: synonymous variant.
Genome position (GRCh38, 1-based): chr12:6,594,498, A>G on the plus strand (T>C on the coding strand, the complement: CHD4 is on the minus strand). VCF-style: chr12-6594498-A-G. GRCh37 (hg19) VCF-style: chr12-6703664-A-G.
Other names: c.2253T>C, p.Thr751= (NM_001297553.2); c.2235T>C, p.Thr745= (NM_001363606.2).
Identifiers: ClinVar variation 2060875 (VCV002060875.6), dbSNP rs199553704, ClinGen allele CA6412015.

ClinVar aggregate classification (germline): Benign/Likely benign. Review status: criteria provided, multiple submitters, no conflicts (2 of 4 stars). 3 submissions from 3 submitters: Benign (1); Likely benign (2). Last evaluated 2026-09-01.

Allele frequency attached by ClinVar (database versions not stated): gnomAD 0.00007; TOPMed 0.00008; 1000 Genomes Project 30x 0.00016; ExAC 0.00017; 1000 Genomes Project 0.00020.
gnomAD v4.1: 173 of 1,613,880 alleles (0.011%); highest among the groups gnomAD compares: East Asian, 0.24%; no homozygotes.

Submissions (3):

CeGaT Center for Human Genetics Tuebingen
Classification: Likely benign. Last evaluated: 2026-09-01. Review status: criteria provided, single submitter. Criteria: CeGaT Center For Human Genetics Tuebingen Variant Classification Criteria Version 2. Collection method: clinical testing. Allele origin: germline. Affected: yes. Observed: 1 variant allele.
Comment: CHD4: BP4, BP7

Labcorp Genetics (formerly Invitae), Labcorp
Classification: Benign. Last evaluated: 2025-01-21. Review status: criteria provided, single submitter. Criteria: Invitae Variant Classification Sherloc (09022015). Collection method: clinical testing. Allele origin: germline.

Blueprint Genetics
Classification: Likely benign. Last evaluated: 2022-06-14. Review status: criteria provided, single submitter. Criteria: ACMG Guidelines, 2015. Collection method: clinical testing. Allele origin: germline.